The following is an entry in ClinVar:

NM_001267550.2(TTN):c.65182C>G (p.Leu21728Val)

Genes: TTN (titin; minus strand), TTN-AS1 (TTN antisense RNA 1; plus strand). Cytogenetic location: 2q31.2.
Variant type: single nucleotide variant.
Coding change: c.65182C>G on transcript NM_001267550.2 (MANE Select); coding-DNA position 65182, C replaced by G.
Protein change: p.Leu21728Val; replaces leucine 21728 with valine.
Molecular consequence: missense variant.
Genome position (GRCh38, 1-based): chr2:178,584,369, G>C on the plus strand (C>G on the coding strand, the complement: TTN is on the minus strand). VCF-style: chr2-178584369-G-C. GRCh37 (hg19) VCF-style: chr2-179449096-G-C.
Other names: p.L20087V:CTT>GTT; c.60259C>G, p.Leu20087Val (NM_001256850.1); c.37987C>G, p.Leu12663Val (NM_003319.4); c.57478C>G, p.Leu19160Val (NM_133378.4); c.38362C>G, p.Leu12788Val (NM_133432.3); c.38563C>G, p.Leu12855Val (NM_133437.4); short protein forms L20087V, L21728V, L19160V, L12855V, L12788V, L12663V.
Identifiers: ClinVar variation 202794 (VCV000202794.9), dbSNP rs781121273, ClinGen allele CA310310.

ClinVar aggregate classification (germline): Conflicting classifications of pathogenicity. Review status: criteria provided, conflicting classifications (1 of 4 stars). 9 submissions from 5 submitters: Uncertain significance (7); Benign (1); Likely benign (1). Last evaluated 2025-11-24.

Conditions:
TTN-related disorder. Also called: TTN-related condition; TTN-related disease; TTN-related disorders.
Early-onset myopathy with fatal cardiomyopathy (CMYO5). Also called: Salih Myopathy; CONGENITAL MYOPATHY 5 WITH CARDIOMYOPATHY. Identifiers: Orphanet 289377, MedGen C2673677, MONDO:0012714, OMIM 611705. Disease mechanism: loss of function.
Dilated cardiomyopathy 1G (CMD1G). Identifiers: Orphanet 154, MedGen C1858763, MONDO:0011400, OMIM 604145.
Autosomal recessive limb-girdle muscular dystrophy type 2J (LGMDR10). Also called: Limb-girdle muscular dystrophy, type 2J; MUSCULAR DYSTROPHY, LIMB-GIRDLE, AUTOSOMAL RECESSIVE 10. Identifiers: Orphanet 140922, MedGen C1837342, MONDO:0012127, OMIM 608807.
Tibial muscular dystrophy (TMD). Also called: Tibial muscular dystrophy, tardive; Udd Distal Myopathy – Tibial Muscular Dystrophy; UDD MYOPATHY. Identifiers: Orphanet 609, MedGen C1838244, MONDO:0010870, OMIM 600334.
Myopathy, myofibrillar, 9, with early respiratory failure (MFM9). Also called: Myopathy, distal, with early respiratory failure, autosomal dominant; MYOPATHY, PROXIMAL, WITH EARLY RESPIRATORY MUSCLE INVOLVEMENT; Hereditary myopathy with early respiratory failure; EDSTROM MYOPATHY. Identifiers: Orphanet 178464, Orphanet 34521, MedGen C1863599, MONDO:0011362, OMIM 603689.
Hypertrophic cardiomyopathy 9. Also called: Familial hypertrophic cardiomyopathy 9. Identifiers: MedGen C1861065, MONDO:0013412, OMIM 613765.

Allele frequency attached by ClinVar (database versions not stated): gnomAD 0.00001; gnomAD exomes 0.00002; TOPMed 0.00002; ExAC 0.00003.
gnomAD v4.1: 29 of 1,613,096 alleles (0.0018%); highest among the groups gnomAD compares: Non-Finnish European, 0.0024%; no homozygotes.

Submissions (9):

PreventionGenetics, part of Exact Sciences
Classification: Uncertain significance for TTN-related condition. Last evaluated: 2025-11-24. Review status: criteria provided, single submitter. Criteria: ACMG Guidelines, 2015. Collection method: clinical testing. Allele origin: germline.
Comment: The TTN c.65182C>G variant is predicted to result in the amino acid substitution p.Leu21728Val. This variant has been reported as a variant of uncertain significance in an individual with hypertrophic cardiomyopathy (described as p.Leu19160Val, Mendes de Almeida et al. 2017. PubMed ID: 28797094). This variant is reported in 0.0057% of alleles in individuals of Latino descent in gnomAD. At this time, the clinical significance of this variant is uncertain due to the absence of conclusive functional and genetic evidence.

Revvity Omics, Revvity
Classification: Uncertain significance. Last evaluated: 2025-01-26. Review status: criteria provided, single submitter. Criteria: ACMG Guidelines, 2015. Collection method: clinical testing. Allele origin: germline.

Fulgent Genetics
Classification: Uncertain significance for Tibial muscular dystrophy; Myopathy, myofibrillar, 9, with early respiratory failure; Dilated cardiomyopathy 1G; Autosomal recessive limb-girdle muscular dystrophy type 2J; Early-onset myopathy with fatal cardiomyopathy; Hypertrophic cardiomyopathy 9. Last evaluated: 2024-02-29. Review status: criteria provided, single submitter. Criteria: ACMG Guidelines, 2015. Collection method: clinical testing. Allele origin: germline.

Illumina Laboratory Services, Illumina
Classification: Likely benign for Myopathy, myofibrillar, 9, with early respiratory failure. Last evaluated: 2018-01-12. Review status: criteria provided, single submitter. Criteria: ICSL Variant Classification Criteria 13 December 2019. Collection method: clinical testing. Allele origin: germline.
Comment: This variant was observed in the ICSL laboratory as part of a predisposition screen in an ostensibly healthy population. It had not been previously curated by ICSL or reported in the Human Gene Mutation Database (HGMD: prior to June 1st, 2018), and was therefore a candidate for classification through an automated scoring system. Utilizing variant allele frequency, disease prevalence and penetrance estimates, and inheritance mode, an automated score was calculated to assess if this variant is too frequent to cause the disease. Based on the score and internal cut-off values, a variant classified as likely benign is not then subjected to further curation. The score for this variant resulted in a classification of likely benign for this disease.

Illumina Laboratory Services, Illumina
Classification: Uncertain significance for Dilated cardiomyopathy 1G. Last evaluated: 2018-01-12. Review status: criteria provided, single submitter. Criteria: ICSL Variant Classification Criteria 13 December 2019. Collection method: clinical testing. Allele origin: germline.

Illumina Laboratory Services, Illumina
Classification: Uncertain significance for Autosomal recessive limb-girdle muscular dystrophy type 2J. Last evaluated: 2018-01-12. Review status: criteria provided, single submitter. Criteria: ICSL Variant Classification Criteria 13 December 2019. Collection method: clinical testing. Allele origin: germline.

Illumina Laboratory Services, Illumina
Classification: Uncertain significance for Early-onset myopathy with fatal cardiomyopathy. Last evaluated: 2018-01-12. Review status: criteria provided, single submitter. Criteria: ICSL Variant Classification Criteria 13 December 2019. Collection method: clinical testing. Allele origin: germline.

Illumina Laboratory Services, Illumina
Classification: Benign for Tibial muscular dystrophy. Last evaluated: 2018-01-12. Review status: criteria provided, single submitter. Criteria: ICSL Variant Classification Criteria 13 December 2019. Collection method: clinical testing. Allele origin: germline.
Comment: This variant was observed in the ICSL laboratory as part of a predisposition screen in an ostensibly healthy population. It had not been previously curated by ICSL or reported in the Human Gene Mutation Database (HGMD: prior to June 1st, 2018), and was therefore a candidate for classification through an automated scoring system. Utilizing variant allele frequency, disease prevalence and penetrance estimates, and inheritance mode, an automated score was calculated to assess if this variant is too frequent to cause the disease. Based on the score and internal cut-off values, a variant classified as benign is not then subjected to further curation. The score for this variant resulted in a classification of benign for this disease.

GeneDx
Classification: Uncertain significance. Last evaluated: 2012-12-17. Review status: criteria provided, single submitter. Criteria: GeneDx Variant Classification (06012015). Collection method: clinical testing. Allele origin: germline. Affected: yes.
Comment: Missense variants in the TTN gene are considered 'unclassified' if they are not previously reported in the literature and do not have >1% frequency in the population to be considered a polymorphism. Research indicates that truncating mutations in the TTN gene are expected to account for approximately 25% of familial and 18% of sporadic idiopathic DCM; however, truncating variants in the TTN gene have been reported in approximately 3% of reported control alleles. There has been little investigation into non-truncating variants. (Herman D et al. Truncations of titin causing dilated cardiomyopathy. N Eng J Med 366:619-628, 2012) The variant is found in DCM panel(s).